The following is an entry in ClinVar:

ClinVar aggregate classification (germline): Uncertain significance (1 of 4 stars; one submission).

Conditions:
Inborn genetic diseases. Identifiers: MedGen C0950123, MeSH D030342.

Submission:

Ambry Genetics
Classification: Uncertain significance for Inborn genetic diseases. Last evaluated: 2025-03-07. Review status: criteria provided, single submitter. Criteria: Ambry Variant Classification Scheme 2023. Collection method: clinical testing. Allele origin: germline.
Comment: The p.N214K variant (also known as c.642T>G), located in coding exon 1 of the WT1 gene, results from a T to G substitution at nucleotide position 642. The asparagine at codon 214 is replaced by lysine, an amino acid with similar properties. This amino acid position is conserved. In addition, the in silico prediction for this alteration is inconclusive. Based on the available evidence, the clinical significance of this variant remains unclear.

NM_024426.6(WT1):c.657T>G (p.Asn219Lys)

Genes: WT1 (WT1 transcription factor; minus strand), LOC107982234 (WT1/WT1-AS bi-directional promoter region; plus strand). Cytogenetic location: 11p13.
Variant type: single nucleotide variant.
Coding change: c.657T>G on transcript NM_024426.6 (MANE Select); coding-DNA position 657, T replaced by G.
Protein change: p.Asn219Lys; replaces asparagine 219 with lysine.
Molecular consequence: missense variant. On other transcripts: non-coding transcript variant (2).
Genome position (GRCh38, 1-based): chr11:32,434,704, A>C on the plus strand (T>G on the coding strand, the complement: WT1 is on the minus strand). VCF-style: chr11-32434704-A-C. GRCh37 (hg19) VCF-style: chr11-32456250-A-C.
Other names: c.657T>G, p.Asn219Lys (NM_000378.6, NM_001407044.1, NM_001407045.1 and 6 more transcripts); c.438T>G, p.Asn146Lys (NM_001429031.1, NM_001429032.1, NM_001429033.1 and 1 more transcripts); short protein forms N146K, N219K, N214K.
Identifiers: ClinVar variation 3817492 (VCV003817492.1).
Genomic context (GRCh38, chr11:32,434,704, plus strand): 5'-GGAGAGTCCCTGGCGCCACTGCCCCGCGCGTAGGGGGCGCTCCCCGGCCTACTTACCCTG[A>C]TTGCGAATAGCGGGCTGGCTCTCGAGGCAGCTGGGCAGGTAGGGCGCGTTAGGAAACATC-3'
Protein context (NP_077744.4, residues 209-229): SCLESQPAIR[Asn219Lys]QGYSTVTFDG